The following is an entry in ClinVar:

NM_006950.3(SYN1):c.1726A>G (p.Lys576Glu)

Gene: SYN1 (synapsin I; minus strand). Cytogenetic location: Xp11.3.
Variant type: single nucleotide variant.
Coding change: c.1726A>G on transcript NM_006950.3 (MANE Select); coding-DNA position 1726, A replaced by G.
Protein change: p.Lys576Glu; replaces lysine 576 with glutamic acid.
Molecular consequence: missense variant.
Genome position (GRCh38, 1-based): chrX:47,574,258, T>C on the plus strand (A>G on the coding strand, the complement: SYN1 is on the minus strand). VCF-style: chrX-47574258-T-C. GRCh37 (hg19) VCF-style: chrX-47433657-T-C.
Other names: c.1726A>G, p.Lys576Glu (NM_133499.2); short protein forms K576E.
Identifiers: ClinVar variation 2047496 (VCV002047496.4), dbSNP rs2519684732, ClinGen allele CA412822773.

ClinVar aggregate classification (germline): Uncertain significance (1 of 4 stars; one submission).

Conditions:
Epilepsy, X-linked 1, with variable learning disabilities and behavior disorders. Also called: X-linked epilepsy-learning disabilities-behavior disorders syndrome. Identifiers: Orphanet 85294, MedGen C5774177, MONDO:0010339, OMIM 300491.

Allele frequency attached by ClinVar (database versions not stated): gnomAD exomes 0.00001.
gnomAD v4.1: 12 of 1,103,823 alleles (0.0011%); highest among the groups gnomAD compares: Non-Finnish European, 0.0013%; no homozygotes.

Submission:

Labcorp Genetics (formerly Invitae), Labcorp
Classification: Uncertain significance for Epilepsy, X-linked 1, with variable learning disabilities and behavior disorders. Last evaluated: 2022-07-25. Review status: criteria provided, single submitter. Criteria: Invitae Variant Classification Sherloc (09022015). Collection method: clinical testing. Allele origin: germline.
Comment: In summary, the available evidence is currently insufficient to determine the role of this variant in disease. Therefore, it has been classified as a Variant of Uncertain Significance. Algorithms developed to predict the effect of missense changes on protein structure and function are either unavailable or do not agree on the potential impact of this missense change (SIFT: "Tolerated"; PolyPhen-2: "Not Available"; Align-GVGD: "Class C0"). This variant has not been reported in the literature in individuals affected with SYN1-related conditions. This variant is not present in population databases (gnomAD no frequency). This sequence change replaces lysine, which is basic and polar, with glutamic acid, which is acidic and polar, at codon 576 of the SYN1 protein (p.Lys576Glu).